The following is an entry in ClinVar:

ClinVar aggregate classification (germline): Uncertain significance. Review status: criteria provided, multiple submitters, no conflicts (2 of 4 stars). 2 submissions from 2 submitters: Uncertain significance (2). Last evaluated 2024-01-03.

Allele frequency attached by ClinVar (database versions not stated): ExAC 0.00001; gnomAD exomes 0.00001; TOPMed 0.00001; gnomAD 0.00002.
gnomAD v4.1: 10 of 1,614,006 alleles (0.00062%); highest among the groups gnomAD compares: Admixed American, 0.0083%; no homozygotes.

Submissions (2):

Ambry Genetics
Classification: Uncertain significance. Last evaluated: 2024-01-03. Review status: criteria provided, single submitter. Criteria: Ambry Variant Classification Scheme 2023. Collection method: clinical testing. Allele origin: germline.

Labcorp Genetics (formerly Invitae), Labcorp
Classification: Uncertain significance. Last evaluated: 2022-06-10. Review status: criteria provided, single submitter. Criteria: Invitae Variant Classification Sherloc (09022015). Collection method: clinical testing. Allele origin: germline.
Comment: This sequence change replaces isoleucine, which is neutral and non-polar, with phenylalanine, which is neutral and non-polar, at codon 189 of the DNASE2 protein (p.Ile189Phe). This variant is present in population databases (rs764898961, gnomAD 0.01%). This variant has not been reported in the literature in individuals affected with DNASE2-related conditions. Algorithms developed to predict the effect of missense changes on protein structure and function output the following: SIFT: "Tolerated"; PolyPhen-2: "Benign"; Align-GVGD: "Class C0". The phenylalanine amino acid residue is found in multiple mammalian species, which suggests that this missense change does not adversely affect protein function. In summary, the available evidence is currently insufficient to determine the role of this variant in disease. Therefore, it has been classified as a Variant of Uncertain Significance.

NM_001375.3(DNASE2):c.565A>T (p.Ile189Phe)

Gene: DNASE2 (deoxyribonuclease 2, lysosomal; minus strand). Cytogenetic location: 19p13.13.
Variant type: single nucleotide variant.
Coding change: c.565A>T on transcript NM_001375.3 (MANE Select); coding-DNA position 565, A replaced by T.
Protein change: p.Ile189Phe; replaces isoleucine 189 with phenylalanine.
Molecular consequence: missense variant.
Genome position (GRCh38, 1-based): chr19:12,878,526, T>A on the plus strand (A>T on the coding strand, the complement: DNASE2 is on the minus strand). VCF-style: chr19-12878526-T-A. GRCh37 (hg19) VCF-style: chr19-12989340-T-A.
Other names: c.565A>T (NM_001375.2); short protein forms I189F.
Identifiers: ClinVar variation 1985157 (VCV001985157.2), dbSNP rs764898961, ClinGen allele CA9233746.